The following is an entry in ClinVar:

NM_001111.5(ADAR):c.946C>G (p.Leu316Val)

Gene: ADAR (adenosine deaminase RNA specific; minus strand). Cytogenetic location: 1q21.3.
Variant type: single nucleotide variant.
Coding change: c.946C>G on transcript NM_001111.5 (MANE Select); coding-DNA position 946, C replaced by G.
Protein change: p.Leu316Val; replaces leucine 316 with valine.
Molecular consequence: missense variant.
Genome position (GRCh38, 1-based): chr1:154,601,696, G>C on the plus strand (C>G on the coding strand, the complement: ADAR is on the minus strand). VCF-style: chr1-154601696-G-C. GRCh37 (hg19) VCF-style: chr1-154574172-G-C.
Other names: c.61C>G, p.Leu21Val (NM_001025107.3, NM_001193495.2, NM_001365046.1 and 3 more transcripts); c.973C>G, p.Leu325Val (NM_001365045.1); c.946C>G, p.Leu316Val (NM_015840.4, NM_015841.4); short protein forms L325V, L316V, L21V.
Identifiers: ClinVar variation 2195589 (VCV002195589.4), dbSNP rs776303666, ClinGen allele CA1131615.

ClinVar aggregate classification (germline): Uncertain significance (1 of 4 stars; one submission).

Conditions:
Symmetrical dyschromatosis of extremities (DSH). Also called: RETICULATE ACROPIGMENTATION OF DOHI; SYMMETRIC DYSCHROMATOSIS OF THE EXTREMITIES; Dyschromatosis symmetrica hereditaria; DYSCHROMATOSIS SYMMETRICA HEREDITARIA 1. Identifiers: Orphanet 41, MedGen C0406775, MONDO:0007483, OMIM 127400.
Aicardi-Goutieres syndrome 6 (AGS6). Identifiers: Orphanet 51, MedGen C3539013, MONDO:0014007, OMIM 615010.

Allele frequency attached by ClinVar (database versions not stated): ExAC 0.00001; gnomAD exomes 0.00001.
gnomAD v4.1: 8 of 1,614,182 alleles (0.0005%); highest among the groups gnomAD compares: South Asian, 0.0088%; 1 homozygote.

Submission:

Labcorp Genetics (formerly Invitae), Labcorp
Classification: Uncertain significance for Aicardi-Goutieres syndrome 6; Symmetrical dyschromatosis of extremities. Last evaluated: 2022-09-07. Review status: criteria provided, single submitter. Criteria: Invitae Variant Classification Sherloc (09022015). Collection method: clinical testing. Allele origin: germline.
Comment: In summary, the available evidence is currently insufficient to determine the role of this variant in disease. Therefore, it has been classified as a Variant of Uncertain Significance. Algorithms developed to predict the effect of missense changes on protein structure and function are either unavailable or do not agree on the potential impact of this missense change (SIFT: "Deleterious"; PolyPhen-2: "Benign"; Align-GVGD: "Class C0"). This variant has not been reported in the literature in individuals affected with ADAR-related conditions. This variant is present in population databases (rs776303666, gnomAD 0.01%). This sequence change replaces leucine, which is neutral and non-polar, with valine, which is neutral and non-polar, at codon 316 of the ADAR protein (p.Leu316Val).